The following is an entry in ClinVar:

ClinVar aggregate classification (germline): Uncertain significance. Review status: criteria provided, single submitter (1 of 4 stars). 2 submissions from 2 submitters: Uncertain significance (1). 1 of the submissions does not count toward it. Last evaluated 2016-12-12.

Conditions:
MEHMO syndrome (MEHMO). Also called: MENTAL RETARDATION, X-LINKED, SYNDROMIC 20; MENTAL RETARDATION, X-LINKED, SYNDROMIC 25; Mental retardation, X-linked, syndromic, Borck type. Identifiers: Orphanet 85282, MedGen C1846278, MONDO:0010258, OMIM 300148.

Submissions (2):

Institute of Experimental Endocrinology, Slovak Academy of Sciences
Classification: Uncertain significance for MEHMO syndrome. Last evaluated: 2016-12-12. Review status: criteria provided, single submitter. Criteria: ACMG Guidelines, 2015. Collection method: clinical testing. Allele origin: maternal. Inheritance: X-linked inheritance. Affected: yes. Observed: 1 hemizygote.
Comment: missense in a gene with high constraint (z=3.81 in ExAc), not found in ExAc, in silico analysis - pathogenic, specific phenotype, no effect in functional study in yeast

OMIM
Classification: Pathogenic for MEHMO SYNDROME. Last evaluated: 2018-01-19. Review status: no assertion criteria provided. Collection method: literature only. Allele origin: germline. Not counted in ClinVar's aggregate classification.

Literature cited by the submitters: PubMed 28055140 (cited by Institute of Experimental Endocrinology, Slovak Academy of Sciences and OMIM).

NM_001415.4(EIF2S3):c.324T>A (p.Ser108Arg)

Gene: EIF2S3 (eukaryotic translation initiation factor 2 subunit gamma; plus strand). Cytogenetic location: Xp22.11.
Variant type: single nucleotide variant.
Coding change: c.324T>A on transcript NM_001415.4 (MANE Select); coding-DNA position 324, T replaced by A.
Protein change: p.Ser108Arg; replaces serine 108 with arginine.
Molecular consequence: missense variant.
Genome position (GRCh38, 1-based): chrX:24,057,695, T>A. VCF-style: chrX-24057695-T-A. GRCh37 (hg19) VCF-style: chrX-24075812-T-A.
Other names: short protein forms S108R.
Identifiers: ClinVar variation 265790 (VCV000265790.3), dbSNP rs1057515578, ClinGen allele CA10602466.